The following is an entry in ClinVar:

NM_001256007.3(PNPLA8):c.533T>C (p.Ile178Thr)

Gene: PNPLA8 (patatin like domain 8, phospholipase A2; minus strand). Cytogenetic location: 7q31.1.
Variant type: single nucleotide variant.
Coding change: c.533T>C on transcript NM_001256007.3 (MANE Select); coding-DNA position 533, T replaced by C.
Protein change: p.Ile178Thr; replaces isoleucine 178 with threonine.
Molecular consequence: missense variant.
Genome position (GRCh38, 1-based): chr7:108,514,959, A>G on the plus strand (T>C on the coding strand, the complement: PNPLA8 is on the minus strand). VCF-style: chr7-108514959-A-G. GRCh37 (hg19) VCF-style: chr7-108155403-A-G.
Other names: c.533T>C, p.Ile178Thr (NM_001256008.3, NM_001256009.3, NM_015723.5); c.233T>C, p.Ile78Thr (NM_001256010.3, NM_001256011.3); short protein forms I178T, I78T.
Identifiers: ClinVar variation 2636356 (VCV002636356.1), dbSNP rs2552117597, ClinGen allele CA368898627.

ClinVar aggregate classification (germline): Uncertain significance (1 of 4 stars; one submission).

Conditions:
PNPLA8-related disorder. Also called: PNPLA8-related condition.

Allele frequency attached by ClinVar (database versions not stated): gnomAD exomes below 0.00001.
gnomAD v4.1: 1 of 1,610,246 alleles (0.000062%); highest among the groups gnomAD compares: African/African-American, 0.0013%; no homozygotes.

Submission:

PreventionGenetics, part of Exact Sciences
Classification: Uncertain significance for PNPLA8-related condition. Last evaluated: 2022-08-23. Review status: criteria provided, single submitter. Criteria: ACMG Guidelines, 2015. Collection method: clinical testing. Allele origin: germline.
Comment: The PNPLA8 c.533T>C variant is predicted to result in the amino acid substitution p.Ile178Thr. To our knowledge, this variant has not been reported in the literature or in a large population database, indicating this variant is rare. At this time, the clinical significance of this variant is uncertain due to the absence of conclusive functional and genetic evidence.